The following is an entry in ClinVar:

ClinVar aggregate classification (germline): Uncertain significance (1 of 4 stars; one submission).

Conditions:
Inborn genetic diseases. Identifiers: MedGen C0950123, MeSH D030342.

Submission:

Ambry Genetics
Classification: Uncertain significance for Inborn genetic diseases. Last evaluated: 2025-07-07. Review status: criteria provided, single submitter. Criteria: Ambry Variant Classification Scheme 2023. Collection method: clinical testing. Allele origin: germline.
Comment: The p.R623G variant (also known as c.1867C>G), located in coding exon 11 of the RECQL4 gene, results from a C to G substitution at nucleotide position 1867. The arginine at codon 623 is replaced by glycine, an amino acid with dissimilar properties. This amino acid position is conserved. In addition, the in silico prediction for this alteration is inconclusive. Based on the available evidence, the clinical significance of this variant remains unclear.

NM_004260.4(RECQL4):c.1867C>G (p.Arg623Gly)

Gene: RECQL4 (RecQ like helicase 4; minus strand). Cytogenetic location: 8q24.3.
Variant type: single nucleotide variant.
Coding change: c.1867C>G on transcript NM_004260.4 (MANE Select); coding-DNA position 1867, C replaced by G.
Protein change: p.Arg623Gly; replaces arginine 623 with glycine.
Molecular consequence: missense variant. On other transcripts: non-coding transcript variant (3).
Genome position (GRCh38, 1-based): chr8:144,514,200, G>C on the plus strand (C>G on the coding strand, the complement: RECQL4 is on the minus strand). VCF-style: chr8-144514200-G-C. GRCh37 (hg19) VCF-style: chr8-145739584-G-C.
Other names: c.598C>G, p.Arg200Gly (NM_001413031.1); c.730C>G, p.Arg244Gly (NM_001413032.1, NM_001413027.1, NM_001413030.1 and 1 more transcripts); c.1735C>G, p.Arg579Gly (NM_001413033.1); c.796C>G, p.Arg266Gly (NM_001413034.1, NM_001413035.1, NM_001413038.1 and 6 more transcripts); c.1867C>G, p.Arg623Gly (NM_001413036.1, NM_001413018.1, NM_001413019.1); c.664C>G, p.Arg222Gly (NM_001413037.1); c.1837C>G, p.Arg613Gly (NM_001413039.1); c.1771C>G, p.Arg591Gly (NM_001413017.1, NM_001413020.1); and 4 more; short protein forms R244G, R256G, R623G, R222G, R266G, R591G, R613G, R200G.
Identifiers: ClinVar variation 4152373 (VCV004152373.1).